The following is an entry in ClinVar:

NM_000520.6(HEXA):c.10_12dup (p.Ser4_Arg5insSer)

Gene: HEXA (hexosaminidase subunit alpha; minus strand). Cytogenetic location: 15q23.
Variant type: Duplication.
Coding change: c.10_12dup on transcript NM_000520.6 (MANE Select); coding-DNA positions 10 to 12, 3 bases duplicated (TCC; older notation c.10_12dupTCC).
Protein change: p.Ser4_Arg5insSer.
Molecular consequence: inframe insertion. On other transcripts: non-coding transcript variant (1).
Genome position (GRCh38, 1-based): chr15:72,375,961-72,375,963, GGA duplicated on the plus strand (TCC on the coding strand, the reverse complement: HEXA is on the minus strand); duplicating any 3 consecutive bases within chr15:72,375,961-72,375,964 gives the same sequence; the c. name uses the placement nearest the transcript's 3' end. VCF-style (leftmost placement, unchanged base first): chr15-72375960-T-TGGA. GRCh37 (hg19) VCF-style: chr15-72668301-T-TGGA.
Other names: c.10_12dup, p.Ser4_Arg5insSer (NM_001318825.2).
Identifiers: ClinVar variation 2164861 (VCV002164861.4), dbSNP rs2089062008, ClinGen allele CA2186761511.
Genomic context (GRCh38, chr15:72,375,960, plus strand): 5'-GCCAGAGGGCCGTCGCCCGTCCTGCGAACGCTGCCGCCAGCAGCAGCGAAAACCAAAGCC[T>TGGA]GGAGCTTGTCATGGCCCGCTGGTCTCCCCTCTCGGAGGGGGCTGGCCACGTGAGACCCTG-3'

ClinVar aggregate classification (germline): Uncertain significance (1 of 4 stars; one submission).

Conditions:
Tay-Sachs disease (TSD). Also called: GM2 gangliosidosis, type 1; Hexosaminidase alpha-subunit deficiency (variant B); Sphingolipidosis, Tay-Sachs; Hexosaminidase A Deficiency; HEXA DEFICIENCY; HEXA Disorders. Identifiers: Orphanet 845, MedGen C0039373, MONDO:0010100, OMIM 272800.

Submission:

Labcorp Genetics (formerly Invitae), Labcorp
Classification: Uncertain significance for Tay-Sachs disease. Last evaluated: 2023-08-30. Review status: criteria provided, single submitter. Criteria: Invitae Variant Classification Sherloc (09022015). Collection method: clinical testing. Allele origin: germline.
Comment: ClinVar contains an entry for this variant (Variation ID: 2164861). This variant has not been reported in the literature in individuals affected with HEXA-related conditions. This variant is not present in population databases (gnomAD no frequency). This variant, c.10_12dup, results in the insertion of 1 amino acid(s) of the HEXA protein (p.Ser4dup), but otherwise preserves the integrity of the reading frame. Experimental studies and prediction algorithms are not available or were not evaluated, and the functional significance of this variant is currently unknown. In summary, the available evidence is currently insufficient to determine the role of this variant in disease. Therefore, it has been classified as a Variant of Uncertain Significance.